The following is an entry in ClinVar:

ClinVar aggregate classification (germline): Likely benign. Review status: criteria provided, multiple submitters, no conflicts (2 of 4 stars). 4 submissions from 4 submitters: Likely benign (4). Last evaluated 2026-08-01.

Conditions:
HK1-related disorder. Also called: HK1-related disorders; HK1-related condition.

Allele frequency attached by ClinVar (database versions not stated): gnomAD exomes 0.00007; ExAC 0.00012; 1000 Genomes Project 30x 0.00016; 1000 Genomes Project 0.00020; ESP Exome Variant Server 0.00031; gnomAD 0.00032 and 0.00036; TOPMed 0.00035.
gnomAD v4.1: 128 of 1,613,872 alleles (0.0079%); highest among the groups gnomAD compares: African/African-American, 0.1%; 1 homozygote.

Submissions (4):

CeGaT Center for Human Genetics Tuebingen
Classification: Likely benign. Last evaluated: 2026-08-01. Review status: criteria provided, single submitter. Criteria: CeGaT Center For Human Genetics Tuebingen Variant Classification Criteria Version 2. Collection method: clinical testing. Allele origin: germline. Affected: yes. Observed: 1 variant allele.
Comment: HK1: BP4, BP7

Labcorp Genetics (formerly Invitae), Labcorp
Classification: Likely benign. Last evaluated: 2025-11-13. Review status: criteria provided, single submitter. Criteria: Invitae Variant Classification Sherloc (09022015). Collection method: clinical testing. Allele origin: germline.

PreventionGenetics, part of Exact Sciences
Classification: Likely benign for HK1-related condition. Last evaluated: 2025-07-03. Review status: criteria provided, single submitter. Criteria: ACMG Guidelines, 2015. Collection method: clinical testing. Allele origin: germline.
Comment: This variant is classified as likely benign based on ACMG/AMP sequence variant interpretation guidelines (Richards et al. 2015 PMID: 25741868, with internal and published modifications).

Blueprint Genetics
Classification: Likely benign. Last evaluated: 2024-09-13. Review status: criteria provided, single submitter. Criteria: ACMG Guidelines, 2015. Collection method: clinical testing. Allele origin: germline.

NM_000188.3(HK1):c.96C>T (p.Ser32=)

Gene: HK1 (hexokinase 1; plus strand). Cytogenetic location: 10q22.1.
Variant type: single nucleotide variant.
Coding change: c.96C>T on transcript NM_000188.3 (MANE Select); coding-DNA position 96, C replaced by T.
Protein change: p.Ser32=; no amino-acid change (serine 32 retained).
Molecular consequence: synonymous variant.
Genome position (GRCh38, 1-based): chr10:69,343,859, C>T. VCF-style: chr10-69343859-C-T. GRCh37 (hg19) VCF-style: chr10-71103615-C-T.
Other names: c.96C>T (NM_000188.2); c.108C>T, p.Ser36= (NM_001322364.2, NM_001358263.1, NM_033497.3 and 1 more transcripts); c.201C>T, p.Ser67= (NM_001322365.2); c.12C>T, p.Ser4= (NM_001322366.1); c.96C>T, p.Ser32= (NM_001322367.1); c.93C>T, p.Ser31= (NM_033496.3); c.60C>T, p.Ser20= (NM_033500.2).
Identifiers: ClinVar variation 1154086 (VCV001154086.12), dbSNP rs149919826, ClinGen allele CA5532243.